The following is an entry in ClinVar:

ClinVar aggregate classification (germline): Benign. Review status: reviewed by expert panel (3 of 4 stars). 2 submissions from 2 submitters: Benign (1). 1 of the submissions does not count toward it. Last evaluated 2015-01-12.

Conditions:
Breast-ovarian cancer, familial, susceptibility to, 2 (BROVCA2). Also called: BRCA2 Hereditary Breast and Ovarian Cancer. Identifiers: Orphanet 145, MedGen C2675520, MONDO:0012933, OMIM 612555. Disease mechanism: loss of function.

Allele frequency attached by ClinVar (database versions not stated): TOPMed 0.21461; gnomAD 0.21616 and 0.21844; 1000 Genomes Project 30x 0.22033; 1000 Genomes Project 0.22544.
gnomAD v4.1: 33,115 of 151,962 alleles (22%); highest among the groups gnomAD compares: East Asian, 39%; 3,731 homozygotes.

Submissions (2):

Evidence-based Network for the Interpretation of Germline Mutant Alleles (ENIGMA)
Classification: Benign for Breast-ovarian cancer, familial 2. Last evaluated: 2015-01-12. Review status: reviewed by expert panel. Criteria: ENIGMA BRCA1/2 Classification Criteria (2015). Collection method: curation. Allele origin: germline.
Comment: Class 1 not pathogenic based on frequency >1% in an outbred sampleset. Frequency 0.3811 (Asian), 0.1362 (African), 0.2177 (European), derived from 1000 genomes (2012-04-30).

Breakthrough Genomics
Classification: Benign. Review status: criteria provided, single submitter. Criteria: ACMG Guidelines, 2015. Collection method: not provided. Allele origin: germline. Inheritance: Autosomal recessive inheritance. Affected: yes. Not counted in ClinVar's aggregate classification.

NM_000059.4(BRCA2):c.8632+480A>G

Gene: BRCA2 (BRCA2 DNA repair associated; plus strand). Cytogenetic location: 13q13.1.
Variant type: single nucleotide variant.
Coding change: c.8632+480A>G on transcript NM_000059.4 (MANE Select); 480 bases into the intron after coding-DNA position 8632, A replaced by G.
Molecular consequence: intron variant.
Genome position (GRCh38, 1-based): chr13:32,371,580, A>G. VCF-style: chr13-32371580-A-G. GRCh37 (hg19) VCF-style: chr13-32945717-A-G.
Other names: IVS 20+480A>G.
Identifiers: ClinVar variation 209820 (VCV000209820.2), dbSNP rs9567609, ClinGen allele CA276788.